The following is an entry in ClinVar:

ClinVar aggregate classification (germline): Conflicting classifications of pathogenicity. Review status: criteria provided, conflicting classifications (1 of 4 stars). 7 submissions from 7 submitters: Pathogenic (1); Likely pathogenic (4); Uncertain significance (2). Last evaluated 2024-05-16.

Conditions:
Hereditary spastic paraplegia. Also called: Familial spastic paraparesis. Identifiers: Orphanet 685, MedGen C0037773, MONDO:0019064. Disease mechanism: loss of function.
Hereditary spastic paraplegia 15 (SPG15). Also called: SPASTIC PARAPLEGIA 15, AUTOSOMAL RECESSIVE; KJELLIN SYNDROME; SPASTIC PARAPLEGIA AND RETINAL DEGENERATION. Identifiers: Orphanet 100996, MedGen C1849128, MONDO:0010044, OMIM 270700.
Spastic paraplegia. Identifiers: MedGen C0037772, HP:0001258.

Allele frequency attached by ClinVar (database versions not stated): ExAC 0.00001; gnomAD exomes 0.00001 and 0.00002; gnomAD 0.00002; TOPMed 0.00002.
gnomAD v4.1: 10 of 1,611,808 alleles (0.00062%); highest among the groups gnomAD compares: African/African-American, 0.0053%; no homozygotes.

Submissions (7):

Fulgent Genetics
Classification: Likely pathogenic for Hereditary spastic paraplegia 15. Last evaluated: 2024-05-16. Review status: criteria provided, single submitter. Criteria: ACMG Guidelines, 2015. Collection method: clinical testing. Allele origin: germline.

Labcorp Genetics (formerly Invitae), Labcorp
Classification: Pathogenic for Spastic paraplegia. Last evaluated: 2024-03-14. Review status: criteria provided, single submitter. Criteria: Invitae Variant Classification Sherloc (09022015). Collection method: clinical testing. Allele origin: germline.
Comment: This sequence change falls in intron 31 of the ZFYVE26 gene. It does not directly change the encoded amino acid sequence of the ZFYVE26 protein. RNA analysis indicates that this variant induces altered splicing and may result in an absent or disrupted protein product. This variant is present in population databases (rs771906344, gnomAD 0.01%). This variant has been observed in individual(s) with hereditary spastic paraplegia (PMID: 19805727). In at least one individual the data is consistent with being in trans (on the opposite chromosome) from a pathogenic variant. It has also been observed to segregate with disease in related individuals. ClinVar contains an entry for this variant (Variation ID: 555081). Variants that disrupt the consensus splice site are a relatively common cause of aberrant splicing (PMID: 17576681, 9536098). Studies have shown that this variant results in activation of a cryptic splice site and introduces a premature termination codon (PMID: 19805727). The resulting mRNA is expected to undergo nonsense-mediated decay. For these reasons, this variant has been classified as Pathogenic.

Kariminejad - Najmabadi Pathology & Genetics Center
Classification: Likely pathogenic for Hereditary spastic paraplegia 15. Last evaluated: 2023-12-20. Review status: criteria provided, single submitter. Criteria: ACMG Guidelines, 2015. Collection method: clinical testing. Allele origin: germline. Inheritance: Autosomal recessive inheritance. Affected: yes.
Comment: PM2_m, PM3_m, PP3_sp,PP5_sp

Women's Health and Genetics/Laboratory Corporation of America, LabCorp
Classification: Likely pathogenic for Hereditary spastic paraplegia 15. Last evaluated: 2023-08-30. Review status: criteria provided, single submitter. Criteria: LabCorp Variant Classification Summary - May 2015. Collection method: clinical testing. Allele origin: germline.
Comment: Variant summary: ZFYVE26 c.5791-6G>A alters a non-conserved nucleotide located close to a canonical splice site and therefore could affect mRNA splicing, leading to a significantly altered protein sequence. Several computational tools predict a significant impact on normal splicing: Two predict the variant abolishes the canonical 3' acceptor site and two predict the variant weakens the canonical 3' acceptor site. Four predict the variant creates a cryptic 3' acceptor site. At least one publication reports experimental evidence that this variant affects mRNA splicing and results in a frameshift of the encoded protein (Goizet_2009). The variant allele was found at a frequency of 2.4e-05 in 249544 control chromosomes (gnomAD). c.5791-6G>A has been reported in the literature in an individual affected with Hereditary Spastic Paraplegia (example: Goizet_2009). The following publication has been ascertained in the context of this evaluation (PMID: 19805727). Four submitters have cited clinical-significance assessments for this variant to ClinVar after 2014 and classified the variant as VUS (n=2) and pathogenic/likely pathogenic (n=2). Based on the evidence outlined above, the variant was classified as likely pathogenic.

Myriad Genetics, Inc.
Classification: Uncertain significance for Hereditary spastic paraplegia 15. Last evaluated: 2021-11-16. Review status: criteria provided, single submitter. Criteria: Myriad Women's Health Autosomal Recessive and X-Linked Classification Criteria (2021). Collection method: clinical testing. Allele origin: unknown.
Comment: NM_015346.3(ZFYVE26):c.5791-6G>A is an intronic variant classified as a variant of uncertain significance in the context of spastic paraplegia type 15. c.5791-6G>A has been observed in cases with relevant disease (PMID: 19805727). Functional assessments of this variant are available in the literature (PMID: 19805727). c.5791-6G>A has been observed in population frequency databases (gnomAD: AFR 0.01%). In summary, there is insufficient evidence to classify NM_015346.3(ZFYVE26):c.5791-6G>A as pathogenic or benign. Please note: this variant was assessed in the context of healthy population screening.

Institute of Medical Genetics and Applied Genomics, University Hospital Tübingen
Classification: Likely pathogenic. Last evaluated: 2020-10-23. Review status: criteria provided, single submitter. Criteria: ACMG Guidelines, 2015. Collection method: clinical testing. Allele origin: germline. Inheritance: Unknown mechanism. Affected: yes.

Genome Diagnostics Laboratory, The Hospital for Sick Children
Classification: Uncertain significance for Hereditary spastic paraplegia. Last evaluated: 2016-12-12. Review status: criteria provided, single submitter. Criteria: ACMG Guidelines, 2015. Collection method: clinical testing. Allele origin: germline. Affected: yes.

Literature cited by the submitters: PubMed 19805727 (cited by 3 submitters); PubMed 17576681 (cited by Labcorp Genetics (formerly Invitae), Labcorp); PubMed 9536098 (cited by Labcorp Genetics (formerly Invitae), Labcorp).

NM_015346.4(ZFYVE26):c.5791-6G>A

Gene: ZFYVE26 (zinc finger FYVE-type containing 26; minus strand). Cytogenetic location: 14q24.1.
Variant type: single nucleotide variant.
Coding change: c.5791-6G>A on transcript NM_015346.4 (MANE Select); 6 bases into the intron before coding-DNA position 5791, G replaced by A.
Molecular consequence: intron variant.
Genome position (GRCh38, 1-based): chr14:67,766,453, C>T on the plus strand (G>A on the coding strand, the complement: ZFYVE26 is on the minus strand). VCF-style: chr14-67766453-C-T. GRCh37 (hg19) VCF-style: chr14-68233170-C-T.
Identifiers: ClinVar variation 555081 (VCV000555081.16), dbSNP rs771906344, ClinGen allele CA7239382.